The following is an entry in ClinVar:

NM_000489.6(ATRX):c.2974A>G (p.Lys992Glu)

Gene: ATRX (ATRX chromatin remodeler; minus strand). Cytogenetic location: Xq21.1.
Variant type: single nucleotide variant.
Coding change: c.2974A>G on transcript NM_000489.6 (MANE Select); coding-DNA position 2974, A replaced by G.
Protein change: p.Lys992Glu; replaces lysine 992 with glutamic acid.
Molecular consequence: missense variant.
Genome position (GRCh38, 1-based): chrX:77,682,282, T>C on the plus strand (A>G on the coding strand, the complement: ATRX is on the minus strand). VCF-style: chrX-77682282-T-C. GRCh37 (hg19) VCF-style: chrX-76937774-T-C.
Other names: c.2860A>G, p.Lys954Glu (NM_138270.5); short protein forms K954E, K992E.
Identifiers: ClinVar variation 1483259 (VCV001483259.8), dbSNP rs2148584437, ClinGen allele CA413709151.

ClinVar aggregate classification (germline): Uncertain significance (1 of 4 stars; one submission).

Conditions:
Alpha thalassemia-X-linked intellectual disability syndrome (ATRX). Also called: X-linked alpha-thalassemia-mental retardation syndrome; ALPHA-THALASSEMIA/IMPAIRED INTELLECTUAL DEVELOPMENT SYNDROME, X-LINKED; ALPHA-THALASSEMIA/MENTAL RETARDATION SYNDROME, X-LINKED; ATR, NONDELETION TYPE; ATR-X syndrome; Alpha thalassemia mental retardation syndrome, nondeletion type, X-linked. Identifiers: Orphanet 847, MedGen C1845055, MONDO:0010519, OMIM 301040.

Submission:

Labcorp Genetics (formerly Invitae), Labcorp
Classification: Uncertain significance for Alpha thalassemia-X-linked intellectual disability syndrome. Last evaluated: 2021-04-01. Review status: criteria provided, single submitter. Criteria: Invitae Variant Classification Sherloc (09022015). Collection method: clinical testing. Allele origin: germline.
Comment: In summary, the available evidence is currently insufficient to determine the role of this variant in disease. Therefore, it has been classified as a Variant of Uncertain Significance. Advanced modeling of protein sequence and biophysical properties (such as structural, functional, and spatial information, amino acid conservation, physicochemical variation, residue mobility, and thermodynamic stability) performed at Invitae indicates that this missense variant is not expected to disrupt ATRX protein function. This variant has not been reported in the literature in individuals with ATRX-related conditions. This variant is not present in population databases (ExAC no frequency). This sequence change replaces lysine with glutamic acid at codon 992 of the ATRX protein (p.Lys992Glu). The lysine residue is moderately conserved and there is a small physicochemical difference between lysine and glutamic acid.